The following is an entry in ClinVar:

NM_022124.6(CDH23):c.8689G>A (p.Asp2897Asn)

Gene: CDH23 (cadherin related 23; plus strand). Cytogenetic location: 10q22.1.
Variant type: single nucleotide variant.
Coding change: c.8689G>A on transcript NM_022124.6 (MANE Select); coding-DNA position 8689, G replaced by A.
Protein change: p.Asp2897Asn; replaces aspartic acid 2897 with asparagine.
Molecular consequence: missense variant.
Genome position (GRCh38, 1-based): chr10:71,807,974, G>A. VCF-style: chr10-71807974-G-A. GRCh37 (hg19) VCF-style: chr10-73567731-G-A.
Other names: c.1969G>A, p.Asp657Asn (NM_001171933.1, NM_001171934.1); c.8689G>A (NM_022124.5); short protein forms D657N, D2897N.
Identifiers: ClinVar variation 1440791 (VCV001440791.4), dbSNP rs757310468, ClinGen allele CA5546711.

ClinVar aggregate classification (germline): Uncertain significance. Review status: criteria provided, multiple submitters, no conflicts (2 of 4 stars). 2 submissions from 2 submitters: Uncertain significance (2). Last evaluated 2024-03-15.

Conditions:
Inborn genetic diseases. Identifiers: MedGen C0950123, MeSH D030342.

Allele frequency attached by ClinVar (database versions not stated): gnomAD 0.00002 and 0.00003; gnomAD exomes 0.00002; ExAC 0.00006.
gnomAD v4.1: 18 of 1,596,706 alleles (0.0011%); highest among the groups gnomAD compares: East Asian, 0.0091%; no homozygotes.

Submissions (2):

Ambry Genetics
Classification: Uncertain significance for Inborn genetic diseases. Last evaluated: 2024-03-15. Review status: criteria provided, single submitter. Criteria: Ambry Variant Classification Scheme 2023. Collection method: clinical testing. Allele origin: germline.

Labcorp Genetics (formerly Invitae), Labcorp
Classification: Uncertain significance. Last evaluated: 2021-12-05. Review status: criteria provided, single submitter. Criteria: Invitae Variant Classification Sherloc (09022015). Collection method: clinical testing. Allele origin: germline.
Comment: This sequence change replaces aspartic acid, which is acidic and polar, with asparagine, which is neutral and polar, at codon 2897 of the CDH23 protein (p.Asp2897Asn). The frequency data for this variant in the population databases is considered unreliable, as metrics indicate poor data quality at this position in the gnomAD database. This variant has not been reported in the literature in individuals affected with CDH23-related conditions. Algorithms developed to predict the effect of missense changes on protein structure and function are either unavailable or do not agree on the potential impact of this missense change (SIFT: "Deleterious"; PolyPhen-2: "Not Available"; Align-GVGD: "Class C0"). In summary, the available evidence is currently insufficient to determine the role of this variant in disease. Therefore, it has been classified as a Variant of Uncertain Significance.